The following is an entry in ClinVar:

NM_012431.3(SEMA3E):c.1828A>G (p.Lys610Glu)

Gene: SEMA3E (semaphorin 3E; minus strand). Cytogenetic location: 7q21.11.
Variant type: single nucleotide variant.
Coding change: c.1828A>G on transcript NM_012431.3 (MANE Select); coding-DNA position 1828, A replaced by G.
Protein change: p.Lys610Glu; replaces lysine 610 with glutamic acid.
Molecular consequence: missense variant.
Genome position (GRCh38, 1-based): chr7:83,385,341, T>C on the plus strand (A>G on the coding strand, the complement: SEMA3E is on the minus strand). VCF-style: chr7-83385341-T-C. GRCh37 (hg19) VCF-style: chr7-83014657-T-C.
Other names: c.1648A>G, p.Lys550Glu (NM_001178129.2); short protein forms K550E, K610E.
Identifiers: ClinVar variation 3667085 (VCV003667085.2).

ClinVar aggregate classification (germline): Uncertain significance (1 of 4 stars; one submission).

Conditions:
CHARGE syndrome (CHARGE). Also called: Hittner Hirsch Kreh syndrome; CHARGE ASSOCIATION--COLOBOMA, HEART ANOMALY, CHOANAL ATRESIA, RETARDATION, GENITAL AND EAR ANOMALIES; Coloboma, heart anomaly, choanal atresia, retardation, genital and ear anomalies; CHARGE association; Hall-Hittner syndrome. Identifiers: Orphanet 138, MedGen C0265354, MONDO:0008965.

gnomAD v4.1: 7 of 1,613,534 alleles (0.00043%); highest among the groups gnomAD compares: African/African-American, 0.0067%; no homozygotes.

Submission:

Labcorp Genetics (formerly Invitae), Labcorp
Classification: Uncertain significance for CHARGE syndrome. Last evaluated: 2024-06-13. Review status: criteria provided, single submitter. Criteria: Invitae Variant Classification Sherloc (09022015). Collection method: clinical testing. Allele origin: germline.
Comment: This sequence change replaces lysine, which is basic and polar, with glutamic acid, which is acidic and polar, at codon 610 of the SEMA3E protein (p.Lys610Glu). This variant is present in population databases (rs529914797, gnomAD 0.008%). This variant has not been reported in the literature in individuals affected with SEMA3E-related conditions. Advanced modeling of protein sequence and biophysical properties (such as structural, functional, and spatial information, amino acid conservation, physicochemical variation, residue mobility, and thermodynamic stability) performed at Invitae indicates that this missense variant is not expected to disrupt SEMA3E protein function with a negative predictive value of 80%. In summary, the available evidence is currently insufficient to determine the role of this variant in disease. Therefore, it has been classified as a Variant of Uncertain Significance.